The following is an entry in ClinVar:

ClinVar aggregate classification (germline): Uncertain significance (1 of 4 stars; one submission).

Conditions:
Hyperkalemic periodic paralysis. Also called: Gamstorp disease; Familial hyperkalemic periodic paralysis. Identifiers: Orphanet 682, MedGen C0238357, MONDO:0008224, OMIM 170500, HP:0007215.

Submission:

Labcorp Genetics (formerly Invitae), Labcorp
Classification: Uncertain significance for Hyperkalemic periodic paralysis. Last evaluated: 2017-03-06. Review status: criteria provided, single submitter. Criteria: Invitae Variant Classification Sherloc (09022015). Collection method: clinical testing. Allele origin: germline.
Comment: In summary, this variant is a novel missense change with uncertain impact on protein function. It has been classified as a Variant of Uncertain Significance. Algorithms developed to predict the effect of missense changes on protein structure and function do not agree on the potential impact of this missense change (SIFT: "Deleterious"; PolyPhen-2: "Probably Damaging"; Align-GVGD: "Class C0"). This variant is not present in population databases (ExAC no frequency) and has not been reported in the literature in individuals with an SCN4A-related disease. This sequence change replaces cysteine with arginine at codon 998 of the SCN4A protein (p.Cys998Arg). The cysteine residue is highly conserved and there is a large physicochemical difference between cysteine and arginine.

NM_000334.4(SCN4A):c.2992T>C (p.Cys998Arg)

Genes: SCN4A (sodium voltage-gated channel alpha subunit 4; minus strand), GH-LCR (growth hormone locus control region; plus strand). Cytogenetic location: 17q23.3.
Variant type: single nucleotide variant.
Coding change: c.2992T>C on transcript NM_000334.4 (MANE Select); coding-DNA position 2992, T replaced by C.
Protein change: p.Cys998Arg; replaces cysteine 998 with arginine.
Molecular consequence: missense variant.
Genome position (GRCh38, 1-based): chr17:63,948,763, A>G on the plus strand (T>C on the coding strand, the complement: SCN4A is on the minus strand). VCF-style: chr17-63948763-A-G. GRCh37 (hg19) VCF-style: chr17-62026123-A-G.
Other names: short protein forms C998R.
Identifiers: ClinVar variation 477410 (VCV000477410.9), dbSNP rs1555601897, ClinGen allele CA400621832.